The following is an entry in ClinVar:

ClinVar aggregate classification (germline): Conflicting classifications of pathogenicity. Review status: criteria provided, conflicting classifications (1 of 4 stars). 4 submissions from 4 submitters: Pathogenic (1); Likely pathogenic (2); Uncertain significance (1). Last evaluated 2024-12-17.

Conditions:
COL4A4-related disorder.
Alport syndrome. Also called: Hemorrhagic familial nephritis; Hemorrhagic hereditary nephritis; Congenital hereditary hematuria. Identifiers: Orphanet 63, MedGen C1567741, MONDO:0018965.
Autosomal recessive Alport syndrome (ATS2). Also called: COL4A3-Related Nephropathy; COL4A4 Alport Syndrome and Thin Basement Membrane Nephropathy; ALPORT SYNDROME 2, AUTOSOMAL RECESSIVE; Alport syndrome type 2. Identifiers: Orphanet 63, Orphanet 88919, MedGen C4746745, MONDO:0008762, OMIM 203780.

Allele frequency attached by ClinVar (database versions not stated): gnomAD exomes below 0.00001.
gnomAD v4.1: 3 of 1,613,826 alleles (0.00019%); highest among the groups gnomAD compares: African/African-American, 0.0013%; no homozygotes.

Submissions (4):

Genomic Medicine Center of Excellence, King Faisal Specialist Hospital and Research Centre
Classification: Pathogenic for Autosomal recessive Alport syndrome. Last evaluated: 2024-12-17. Review status: criteria provided, single submitter. Criteria: ACMG Guidelines, 2015. Collection method: clinical testing. Allele origin: germline.

Victorian Clinical Genetics Services, Murdoch Childrens Research Institute
Classification: Likely pathogenic for Alport syndrome. Last evaluated: 2023-12-21. Review status: criteria provided, single submitter. Criteria: ACMG Guidelines, 2015. Collection method: clinical testing. Allele origin: germline. Affected: yes.
Comment: Based on the classification scheme VCGS_Germline_v1.3.4, this variant is classified as Likely pathogenic. Following criteria are met: 0103 - Loss of function is a known mechanism of disease for this gene and is associated with Alport syndrome. Dominant negative is a suspected mechanism of disease for this gene as it is a structural protein (PMIDs: 12028435, 24046192). (I) 0108 - This gene is associated with both recessive and dominant disease. Alport syndrome typically has biallelic inheritance, although rare cases of monoallelic inheritance have been reported (PMID: 28704582). Thin basement membrane nephropathy (TBMN) and focal segmental glomerulosclerosis (FSGS) are associated with autosomal dominant inheritance (OMIM, PMIDs: 16467446, 17942953). (I) 0200 - Variant is predicted to result in a missense amino acid change from glycine to serine. (I) 0251 - This variant is heterozygous. (I) 0301 - Variant is absent from gnomAD (both v2 and v3). (SP) 0309 - An alternative amino acid change at the same position has been observed in gnomAD (v2) (1 heterozygote, 0 homozygotes). (I) 0501 - Missense variant consistently predicted to be damaging by multiple in silico tools or highly conserved with a major amino acid change. (SP) 0601 - Variant is located in the well-established functional Gly-X-Y motif and affects a glycine residue (DECIPHER). (SP) 0710 - Another missense variant comparable to the one identified in this case has inconclusive previous evidence for pathogenicity. p.(Gly1439Asp) has been observed in two individuals with hearing loss (PMIDs: 29907799, 23967202). (I) 0808 - Previous reports of pathogenicity for this variant are conflicting. This variant has been classified as a VUS by clinical laboratory in ClinVar, and has been observed in a family with Alport syndrome in the literature where different laboratories classified it as a VUS, likely pathogenic or likely benign (PMID: 35419377). (I) 1007 - No published functional evidence has been identified for this variant. (I) 1208 - Inheritance information for this variant is not currently available in this individual. (I) Legend: (SP) - Supporting pathogenic, (I) - Information, (SB) - Supporting benign

Women's Health and Genetics/Laboratory Corporation of America, LabCorp
Classification: Uncertain significance. Last evaluated: 2023-08-07. Review status: criteria provided, single submitter. Criteria: LabCorp Variant Classification Summary - May 2015. Collection method: clinical testing. Allele origin: germline.
Comment: Variant summary: COL4A4 c.4315G>A (p.Gly1439Ser) results in a non-conservative amino acid change in the encoded protein sequence and disrupts a Gly-X-Y repeat that is not part of a recognized collagenous or non-collagenous domain of the collagen IV alpha 4 chain. Five of five in-silico tools predict a damaging effect of the variant on protein function. The variant was absent in 249494 control chromosomes (gnomAD). c.4315G>A has been reported in the literature in three heterozygous individuals from one family with suspected Autosomal Dominant Alport Syndrome (e.g., Cerkaustaike_2022). This report suggests the variant is likely to be associated with disease. To our knowledge, no experimental evidence demonstrating an impact on protein function has been reported. The following publication has been ascertained in the context of this evaluation (PMID: 35419377). No clinical diagnostic laboratories have submitted clinical-significance assessments for this variant to ClinVar after 2014. Additionally, a different missense variant affecting the same codon, namely c.4316G>A (p.Gly1439Asp), has been reported in early-onset hearling loss patients (PMID: 23967202). Based on the evidence outlined above, the variant was classified as VUS-possibly pathogenic.

PreventionGenetics, part of Exact Sciences
Classification: Likely pathogenic for COL4A4-related condition. Last evaluated: 2022-12-08. Review status: criteria provided, single submitter. Criteria: ACMG Guidelines, 2015. Collection method: clinical testing. Allele origin: germline.
Comment: The COL4A4 c.4315G>A variant is predicted to result in the amino acid substitution p.Gly1439Ser. The Gly1439Ser variant affects a Gly residue of the conserved triple helical domain (residues 65 – 1459) of the COL4A4 protein. The majority of pathogenic variants in COL4A4 substitute a glycine residue to a bulkier amino acid in the triple-helical domain (Hudson et al. 1993. PubMed ID: 8253711). To our knowledge, this variant has not been reported in the literature or in a large population database, indicating this variant is rare. This variant is interpreted as likely pathogenic.

Literature cited by the submitters: PubMed 12028435 (cited by Victorian Clinical Genetics Services, Murdoch Childrens Research Institute); PubMed 16467446 (cited by Victorian Clinical Genetics Services, Murdoch Childrens Research Institute); PubMed 17942953 (cited by Victorian Clinical Genetics Services, Murdoch Childrens Research Institute); PubMed 23967202 (cited by Victorian Clinical Genetics Services, Murdoch Childrens Research Institute); PubMed 24046192 (cited by Victorian Clinical Genetics Services, Murdoch Childrens Research Institute); PubMed 28704582 (cited by Victorian Clinical Genetics Services, Murdoch Childrens Research Institute); PubMed 29907799 (cited by Victorian Clinical Genetics Services, Murdoch Childrens Research Institute); PubMed 35419377 (cited by Victorian Clinical Genetics Services, Murdoch Childrens Research Institute and Women's Health and Genetics/Laboratory Corporation of America, LabCorp).

NM_000092.5(COL4A4):c.4315G>A (p.Gly1439Ser)

Gene: COL4A4 (collagen type IV alpha 4 chain; minus strand). Cytogenetic location: 2q36.3.
Variant type: single nucleotide variant.
Coding change: c.4315G>A on transcript NM_000092.5 (MANE Select); coding-DNA position 4315, G replaced by A.
Protein change: p.Gly1439Ser; replaces glycine 1439 with serine.
Molecular consequence: missense variant.
Genome position (GRCh38, 1-based): chr2:227,012,199, C>T on the plus strand (G>A on the coding strand, the complement: COL4A4 is on the minus strand). VCF-style: chr2-227012199-C-T. GRCh37 (hg19) VCF-style: chr2-227876915-C-T.
Other names: short protein forms G1439S.
Identifiers: ClinVar variation 2503863 (VCV002503863.6), dbSNP rs1963887200, ClinGen allele CA350836413.